The following is an entry in ClinVar:

NM_017841.4(SDHAF2):c.280C>G (p.Leu94Val)

Gene: SDHAF2 (succinate dehydrogenase complex assembly factor 2; plus strand). Cytogenetic location: 11q12.2.
Variant type: single nucleotide variant.
Coding change: c.280C>G on transcript NM_017841.4 (MANE Select); coding-DNA position 280, C replaced by G.
Protein change: p.Leu94Val; replaces leucine 94 with valine.
Molecular consequence: missense variant.
Genome position (GRCh38, 1-based): chr11:61,438,023, C>G. VCF-style: chr11-61438023-C-G. GRCh37 (hg19) VCF-style: chr11-61205495-C-G.
Other names: short protein forms L94V.
Identifiers: ClinVar variation 2695708 (VCV002695708.3), dbSNP rs2540124851, ClinGen allele CA380684053.

ClinVar aggregate classification (germline): Uncertain significance (1 of 4 stars; one submission).

Conditions:
Hereditary pheochromocytoma and paraganglioma. Also called: Hereditary Paraganglioma-Pheochromocytoma Syndromes; Hereditary pheochromocytoma-paraganglioma; Hereditary paragangliomas and pheochromocytomas. Identifiers: Orphanet 29072, MedGen C4274332, MONDO:0017366.

Allele frequency attached by ClinVar (database versions not stated): gnomAD exomes below 0.00001.
gnomAD v4.1: 1 of 1,613,976 alleles (0.000062%); highest among the groups gnomAD compares: African/African-American, 0.0013%; no homozygotes.

Submission:

Labcorp Genetics (formerly Invitae), Labcorp
Classification: Uncertain significance for Hereditary pheochromocytoma and paraganglioma. Last evaluated: 2023-11-14. Review status: criteria provided, single submitter. Criteria: Invitae Variant Classification Sherloc (09022015). Collection method: clinical testing. Allele origin: germline.
Comment: This sequence change replaces leucine, which is neutral and non-polar, with valine, which is neutral and non-polar, at codon 94 of the SDHAF2 protein (p.Leu94Val). This variant is not present in population databases (gnomAD no frequency). This variant has not been reported in the literature in individuals affected with SDHAF2-related conditions. An algorithm developed to predict the effect of missense changes on protein structure and function (PolyPhen-2) suggests that this variant is likely to be disruptive. In summary, the available evidence is currently insufficient to determine the role of this variant in disease. Therefore, it has been classified as a Variant of Uncertain Significance.